The following is an entry in ClinVar:

NM_003924.4(PHOX2B):c.691G>A (p.Gly231Ser)

Gene: PHOX2B (paired like homeobox 2B; minus strand). Cytogenetic location: 4p13.
Variant type: single nucleotide variant.
Coding change: c.691G>A on transcript NM_003924.4 (MANE Select); coding-DNA position 691, G replaced by A.
Protein change: p.Gly231Ser; replaces glycine 231 with serine.
Molecular consequence: missense variant.
Genome position (GRCh38, 1-based): chr4:41,746,061, C>T on the plus strand (G>A on the coding strand, the complement: PHOX2B is on the minus strand). VCF-style: chr4-41746061-C-T. GRCh37 (hg19) VCF-style: chr4-41748078-C-T.
Other names: short protein forms G231S.
Identifiers: ClinVar variation 826705 (VCV000826705.18), dbSNP rs1577559082, ClinGen allele CA356737380.

ClinVar aggregate classification (germline): Uncertain significance. Review status: criteria provided, multiple submitters, no conflicts (2 of 4 stars). 4 submissions from 4 submitters: Uncertain significance (4). Last evaluated 2025-05-14.

Conditions:
Haddad syndrome (OHD). Also called: Ondine-Hirschsprung disease. Identifiers: Orphanet 99803, MedGen C1859049, MONDO:0020493.
Neuroblastoma, susceptibility to, 2. Identifiers: Orphanet 635, MedGen C2751682, MONDO:0700041, OMIM 613013.
Central hypoventilation syndrome, congenital, 1, with or without Hirschsprung disease (CCHS1). Also called: CENTRAL HYPOVENTILATION SYNDROME, CONGENITAL, 1; AUTONOMIC CONTROL, CONGENITAL FAILURE OF; ONDINE CURSE, CONGENITAL; Central hypoventilation syndrome, congenital, 1, with or without Hirschsprung; Congenital Central Hypoventilation Syndrome (CCHS). Identifiers: Orphanet 661, MedGen C5562075, MONDO:0800026, OMIM 209880.
Hereditary cancer-predisposing syndrome. Also called: Neoplastic Syndromes, Hereditary; Tumor predisposition; Hereditary neoplastic syndrome; Hereditary Cancer Syndrome. Identifiers: Orphanet 140162, MedGen C0027672, MeSH D009386, MONDO:0015356.

Allele frequency attached by ClinVar (database versions not stated): gnomAD exomes 0.00001.
gnomAD v4.1: 9 of 1,369,942 alleles (0.00066%); highest among the groups gnomAD compares: Non-Finnish European, 0.00084%; no homozygotes.

Submissions (4):

Ambry Genetics
Classification: Uncertain significance for Hereditary cancer-predisposing syndrome. Last evaluated: 2025-05-14. Review status: criteria provided, single submitter. Criteria: Ambry Variant Classification Scheme 2023. Collection method: clinical testing. Allele origin: germline.
Comment: The p.G231S variant (also known as c.691G>A), located in coding exon 3 of the PHOX2B gene, results from a G to A substitution at nucleotide position 691. The glycine at codon 231 is replaced by serine, an amino acid with similar properties. This amino acid position is well conserved in available vertebrate species. In addition, the in silico prediction for this alteration is inconclusive. Based on the available evidence, the clinical significance of this alteration remains unclear.

Fulgent Genetics
Classification: Uncertain significance for Central hypoventilation syndrome, congenital, 1, with or without Hirschsprung disease; Neuroblastoma, susceptibility to, 2. Last evaluated: 2024-02-26. Review status: criteria provided, single submitter. Criteria: ACMG Guidelines, 2015. Collection method: clinical testing. Allele origin: germline.

Labcorp Genetics (formerly Invitae), Labcorp
Classification: Uncertain significance for Haddad syndrome. Last evaluated: 2023-09-21. Review status: criteria provided, single submitter. Criteria: Invitae Variant Classification Sherloc (09022015). Collection method: clinical testing. Allele origin: germline.
Comment: This missense change has been observed in individual(s) with later-onset hypoventilation with hypothalamic dysfunction (PMID: 33958749). In summary, the available evidence is currently insufficient to determine the role of this variant in disease. Therefore, it has been classified as a Variant of Uncertain Significance. Advanced modeling of protein sequence and biophysical properties (such as structural, functional, and spatial information, amino acid conservation, physicochemical variation, residue mobility, and thermodynamic stability) performed at Invitae indicates that this missense variant is not expected to disrupt PHOX2B protein function. ClinVar contains an entry for this variant (Variation ID: 826705). This variant is not present in population databases (gnomAD no frequency). This sequence change replaces glycine, which is neutral and non-polar, with serine, which is neutral and polar, at codon 231 of the PHOX2B protein (p.Gly231Ser).

GeneDx
Classification: Uncertain significance. Last evaluated: 2023-07-16. Review status: criteria provided, single submitter. Criteria: GeneDx Variant Classification Process June 2021. Collection method: clinical testing. Allele origin: germline. Affected: yes.
Comment: Not observed at significant frequency in large population cohorts (gnomAD); In silico analysis supports that this missense variant does not alter protein structure/function; Identified in an individual with later-onset hypoventilation with hypothalamic dysfunction (Zhou et al., 2021); This variant is associated with the following publications: (PMID: 33958749)

Literature cited by the submitters: PubMed 33958749 (cited by Ambry Genetics and Labcorp Genetics (formerly Invitae), Labcorp).